The following is an entry in ClinVar:

NM_001164688.2(RD3):c.*834G>T

Gene: RD3 (RD3 regulator of GUCY2D; minus strand). Cytogenetic location: 1q32.3.
Variant type: single nucleotide variant.
Coding change: c.*834G>T on transcript NM_001164688.2 (MANE Select); 834 bases downstream of the stop codon, G replaced by T.
Molecular consequence: 3 prime UTR variant.
Genome position (GRCh38, 1-based): chr1:211,478,202, C>A on the plus strand (G>T on the coding strand, the complement: RD3 is on the minus strand). VCF-style: chr1-211478202-C-A. GRCh37 (hg19) VCF-style: chr1-211651544-C-A.
Other names: c.*834G>T (NM_183059.3).
Identifiers: ClinVar variation 874677 (VCV000874677.4), dbSNP rs61849030, ClinGen allele CA37186239.

ClinVar aggregate classification (germline): Likely benign (1 of 4 stars; one submission).

Conditions:
Leber congenital amaurosis 12 (LCA12). Identifiers: Orphanet 65, MedGen C1857743, MONDO:0012525, OMIM 610612.

Allele frequency attached by ClinVar (database versions not stated): 1000 Genomes Project 0.01817; 1000 Genomes Project 30x 0.01874.

Submission:

Illumina Laboratory Services, Illumina
Classification: Likely benign for Leber congenital amaurosis 12. Last evaluated: 2018-01-12. Review status: criteria provided, single submitter. Criteria: ICSL Variant Classification Criteria 13 December 2019. Collection method: clinical testing. Allele origin: germline.
Comment: This variant was observed in the ICSL laboratory as part of a predisposition screen in an ostensibly healthy population. It had not been previously curated by ICSL or reported in the Human Gene Mutation Database (HGMD: prior to June 1st, 2018), and was therefore a candidate for classification through an automated scoring system. Utilizing variant allele frequency, disease prevalence and penetrance estimates, and inheritance mode, an automated score was calculated to assess if this variant is too frequent to cause the disease. Based on the score and internal cut-off values, a variant classified as likely benign is not then subjected to further curation. The score for this variant resulted in a classification of likely benign for this disease.